The following is an entry in ClinVar:

ClinVar aggregate classification (germline): Uncertain significance (1 of 4 stars; one submission).

Allele frequency attached by ClinVar (database versions not stated): gnomAD exomes below 0.00001.
gnomAD v4.1: 1 of 1,614,128 alleles (0.000062%); highest among the groups gnomAD compares: African/African-American, 0.0013%; no homozygotes.

Submission:

Labcorp Genetics (formerly Invitae), Labcorp
Classification: Uncertain significance. Last evaluated: 2022-08-16. Review status: criteria provided, single submitter. Criteria: Invitae Variant Classification Sherloc (09022015). Collection method: clinical testing. Allele origin: germline.
Comment: In summary, the available evidence is currently insufficient to determine the role of this variant in disease. Therefore, it has been classified as a Variant of Uncertain Significance. Algorithms developed to predict the effect of missense changes on protein structure and function (SIFT, PolyPhen-2, Align-GVGD) all suggest that this variant is likely to be disruptive. ClinVar contains an entry for this variant (Variation ID: 1051261). This variant has not been reported in the literature in individuals affected with ADIPOR1-related conditions. This variant is not present in population databases (gnomAD no frequency). This sequence change replaces isoleucine, which is neutral and non-polar, with threonine, which is neutral and polar, at codon 339 of the ADIPOR1 protein (p.Ile339Thr).

NM_015999.6(ADIPOR1):c.1016T>C (p.Ile339Thr)

Gene: ADIPOR1 (adiponectin receptor 1; minus strand). Cytogenetic location: 1q32.1.
Variant type: single nucleotide variant.
Coding change: c.1016T>C on transcript NM_015999.6 (MANE Select); coding-DNA position 1016, T replaced by C.
Protein change: p.Ile339Thr; replaces isoleucine 339 with threonine.
Molecular consequence: missense variant.
Genome position (GRCh38, 1-based): chr1:202,941,685, A>G on the plus strand (T>C on the coding strand, the complement: ADIPOR1 is on the minus strand). VCF-style: chr1-202941685-A-G. GRCh37 (hg19) VCF-style: chr1-202910813-A-G.
Other names: c.1016T>C, p.Ile339Thr (NM_001290553.2, NM_001290557.1, NM_001290629.1); short protein forms I339T.
Identifiers: ClinVar variation 1051261 (VCV001051261.9), dbSNP rs2102479681, ClinGen allele CA344277822.
Genomic context (GRCh38, chr1:202,941,685, plus strand): 5'-TGAAGGTTGGAGACTCCATAGAAGTGGACAAAGGCTGCTGCCACCACCAGGACATGGAAA[A>G]TCTGATGAGACTGGAACTGTAGGAATAAAAAGAAAAGAGCCTTTAGGATAATGCAAGGAG-3'
Protein context (NP_057083.2, residues 329-349): KFDIWFQSHQ[Ile339Thr]FHVLVVAAAF